The following is an entry in ClinVar:

NM_002880.4(RAF1):c.133G>A (p.Asp45Asn)

Gene: RAF1 (Raf-1 proto-oncogene, serine/threonine kinase; minus strand). Cytogenetic location: 3p25.2.
Variant type: single nucleotide variant.
Coding change: c.133G>A on transcript NM_002880.4 (MANE Select); coding-DNA position 133, G replaced by A.
Protein change: p.Asp45Asn; replaces aspartic acid 45 with asparagine.
Molecular consequence: missense variant. On other transcripts: initiator codon variant (4), non-coding transcript variant (3).
Genome position (GRCh38, 1-based): chr3:12,618,589, C>T on the plus strand (G>A on the coding strand, the complement: RAF1 is on the minus strand). VCF-style: chr3-12618589-C-T. GRCh37 (hg19) VCF-style: chr3-12660088-C-T.
Other names: c.3G>A, p.Met1Ile (NM_001354692.3, NM_001354694.3, NM_001354695.3 and 1 more transcripts); c.133G>A, p.Asp45Asn (NM_001354693.3, NM_001354689.3, NM_001354690.3); short protein forms M1I, D45N.
Identifiers: ClinVar variation 641769 (VCV000641769.9), dbSNP rs1575600313, ClinGen allele CA351485007.
Genomic context (GRCh38, chr3:12,618,589, plus strand): 5'-TGTTCGGCAAGAAAACACGGATAGTGTTGCTTGTCTTAGAAGGATCTGTGAGTTTGCCAT[C>T]ATCTGATGCCCGGCGCTGATAGCCAAACTGCTGAACTATTGTAGGAGAGATGCAGCTGGA-3'
Protein context (NP_002871.1, residues 35-55): QFGYQRRASD[Asp45Asn]GKLTDPSKTS

ClinVar aggregate classification (germline): Uncertain significance (1 of 4 stars; one submission).

Conditions:
RASopathy. Also called: Noonan spectrum disorder; rasopathies. Identifiers: Orphanet 536391, MedGen C5555857, MONDO:0021060.

Submission:

Labcorp Genetics (formerly Invitae), Labcorp
Classification: Uncertain significance for RASopathy. Last evaluated: 2022-08-16. Review status: criteria provided, single submitter. Criteria: Invitae Variant Classification Sherloc (09022015). Collection method: clinical testing. Allele origin: germline.
Comment: In summary, the available evidence is currently insufficient to determine the role of this variant in disease. Therefore, it has been classified as a Variant of Uncertain Significance. Advanced modeling of protein sequence and biophysical properties (such as structural, functional, and spatial information, amino acid conservation, physicochemical variation, residue mobility, and thermodynamic stability) performed at Invitae indicates that this missense variant is not expected to disrupt RAF1 protein function. ClinVar contains an entry for this variant (Variation ID: 641769). This variant has not been reported in the literature in individuals affected with RAF1-related conditions. This variant is not present in population databases (gnomAD no frequency). This sequence change replaces aspartic acid, which is acidic and polar, with asparagine, which is neutral and polar, at codon 45 of the RAF1 protein (p.Asp45Asn).